The following is an entry in ClinVar:

NM_000204.5(CFI):c.1388C>T (p.Pro463Leu)

Gene: CFI (complement factor I; minus strand). Cytogenetic location: 4q25.
Variant type: single nucleotide variant.
Coding change: c.1388C>T on transcript NM_000204.5 (MANE Select); coding-DNA position 1388, C replaced by T.
Protein change: p.Pro463Leu; replaces proline 463 with leucine.
Molecular consequence: missense variant. On other transcripts: non-coding transcript variant (2).
Genome position (GRCh38, 1-based): chr4:109,746,263, G>A on the plus strand (C>T on the coding strand, the complement: CFI is on the minus strand). VCF-style: chr4-109746263-G-A. GRCh37 (hg19) VCF-style: chr4-110667419-G-A.
Other names: c.779C>T, p.Pro260Leu (NM_001375284.1); c.1412C>T, p.Pro471Leu (NM_001318057.2, NM_001375278.1); c.1367C>T, p.Pro456Leu (NM_001331035.2, NM_001375280.1, NM_001375282.1); c.1388C>T, p.Pro463Leu (NM_001375279.1, NM_001375281.1); c.1331C>T, p.Pro444Leu (NM_001375283.1); short protein forms P260L, P471L, P444L, P456L, P463L.
Identifiers: ClinVar variation 3589743 (VCV003589743.4).
Genomic context (GRCh38, chr4:109,746,263, plus strand): 5'-CAAACTGTAAAACATATACCTTTTTCTCGTCCCCAGCCAGAAACGATGCATGTATCATTA[G>A]GTTGGAATAGGTAAGGAGACCAGGGGACACAGGCAGGGATGGAACGAGGCAGCTCACAAT-3'
Protein context (NP_000195.3, residues 453-473): CVPWSPYLFQ[Pro463Leu]NDTCIVSGWG

ClinVar aggregate classification (germline): Uncertain significance. Review status: criteria provided, multiple submitters, no conflicts (2 of 4 stars). 3 submissions from 3 submitters: Uncertain significance (3). Last evaluated 2025-08-24.

Conditions:
Atypical hemolytic-uremic syndrome with I factor anomaly. Also called: HEMOLYTIC UREMIC SYNDROME, ATYPICAL, SUSCEPTIBILITY TO, 3; AHUS, SUSCEPTIBILITY TO, 3. Identifiers: Orphanet 2134, MedGen C2752039, MONDO:0013041, OMIM 612923.
Factor I deficiency (CFID). Also called: Complement factor I deficiency. Identifiers: Orphanet 200418, MedGen C3463916, MONDO:0012594, OMIM 610984.
Age related macular degeneration 13. Identifiers: MedGen C3809523, MONDO:0014189, OMIM 615439.
Inborn genetic diseases. Identifiers: MedGen C0950123, MeSH D030342.

Submissions (3):

Ambry Genetics
Classification: Uncertain significance for Inborn genetic diseases. Last evaluated: 2025-08-24. Review status: criteria provided, single submitter. Criteria: Ambry Variant Classification Scheme 2023. Collection method: clinical testing. Allele origin: germline.

Fulgent Genetics
Classification: Uncertain significance for Factor I deficiency; Atypical hemolytic-uremic syndrome with I factor anomaly; Age related macular degeneration 13. Last evaluated: 2024-03-11. Review status: criteria provided, single submitter. Criteria: ACMG Guidelines, 2015. Collection method: clinical testing. Allele origin: germline.

Labcorp Genetics (formerly Invitae), Labcorp
Classification: Uncertain significance. Last evaluated: 2024-02-06. Review status: criteria provided, single submitter. Criteria: Invitae Variant Classification Sherloc (09022015). Collection method: clinical testing. Allele origin: germline.
Comment: This sequence change replaces proline, which is neutral and non-polar, with leucine, which is neutral and non-polar, at codon 463 of the CFI protein (p.Pro463Leu). This variant is not present in population databases (gnomAD no frequency). This variant has not been reported in the literature in individuals affected with CFI-related conditions. Advanced modeling of protein sequence and biophysical properties (such as structural, functional, and spatial information, amino acid conservation, physicochemical variation, residue mobility, and thermodynamic stability) has been performed at Invitae for this missense variant, however the output from this modeling did not meet the statistical confidence thresholds required to predict the impact of this variant on CFI protein function. In summary, the available evidence is currently insufficient to determine the role of this variant in disease. Therefore, it has been classified as a Variant of Uncertain Significance.